The following is an entry in ClinVar:

ClinVar aggregate classification (germline): Uncertain significance (1 of 4 stars; one submission).

Conditions:
Neurodevelopmental disorder with motor regression, progressive spastic paraplegia, and oromotor dysfunction (NEDRSO). Identifiers: MedGen C5882695, MONDO:0957791, OMIM 620515.

gnomAD v4.1: 4 of 1,613,870 alleles (0.00025%); highest among the groups gnomAD compares: Non-Finnish European, 0.00034%; no homozygotes.

Submission:

3billion
Classification: Uncertain significance for Neurodevelopmental disorder with motor regression, progressive spastic paraplegia, and oromotor dysfunction. Last evaluated: 2025-07-21. Review status: criteria provided, single submitter. Criteria: ACMG Guidelines, 2015. Collection method: clinical testing. Allele origin: germline. Affected: yes.
Comment: The variant is observed at an extremely low frequency in the gnomAD v4.1.0 dataset (total allele frequency: <0.001%). Predicted Consequence/Location: Missense variant In silico tool predictions suggest no damaging effect of the variant on gene or gene product [REVEL: 0.28 (<0.4); 3Cnet: 0.00 (<0.1, specificity 0.84 and negative predicitive value 0.97)]. Therefore, this variant is classified as VUS according to the recommendation of ACMG/AMP guideline.

NM_003086.4(SNAPC4):c.1463G>T (p.Gly488Val)

Gene: SNAPC4 (small nuclear RNA activating complex polypeptide 4; minus strand). Cytogenetic location: 9q34.3.
Variant type: single nucleotide variant.
Coding change: c.1463G>T on transcript NM_003086.4 (MANE Select); coding-DNA position 1463, G replaced by T.
Protein change: p.Gly488Val; replaces glycine 488 with valine.
Molecular consequence: missense variant.
Genome position (GRCh38, 1-based): chr9:136,383,990, C>A on the plus strand (G>T on the coding strand, the complement: SNAPC4 is on the minus strand). VCF-style: chr9-136383990-C-A. GRCh37 (hg19) VCF-style: chr9-139278442-C-A.
Other names: c.1463G>T, p.Gly488Val (NM_001394201.1, NM_001394202.1, NM_001394203.1); short protein forms G488V.
Identifiers: ClinVar variation 4854835 (VCV004854835.1).
Genomic context (GRCh38, chr9:136,383,990, plus strand): 5'-TAAAGAAGGAGCGAGTGGCTCACCCCCATCATGATCTTCCACTTGCTCAGACACTGGGAG[C>A]CAGACCGATGGGGCAGCTCAGAAGCTATTTTTGCCCAGTGACCTGCAAAAGCCAAACCCC-3'
Protein context (NP_003077.2, residues 478-498): KIASELPHRS[Gly488Val]SQCLSKWKIM